The following is an entry in ClinVar:

ClinVar aggregate classification (germline): Uncertain significance (1 of 4 stars; one submission).

Conditions:
Hereditary cancer-predisposing syndrome. Also called: Tumor predisposition; Hereditary Cancer Syndrome; Neoplastic Syndromes, Hereditary; Hereditary neoplastic syndrome. Identifiers: Orphanet 140162, MedGen C0027672, MeSH D009386, MONDO:0015356.

Allele frequency attached by ClinVar (database versions not stated): gnomAD exomes below 0.00001; ExAC 0.00001; gnomAD 0.00001.

Submission:

Ambry Genetics
Classification: Uncertain significance for Hereditary cancer-predisposing syndrome. Last evaluated: 2025-08-01. Review status: criteria provided, single submitter. Criteria: Ambry Variant Classification Scheme 2023. Collection method: clinical testing. Allele origin: germline.
Comment: The p.P923S variant (also known as c.2767C>T), located in coding exon 20 of the MSH3 gene, results from a C to T substitution at nucleotide position 2767. The proline at codon 923 is replaced by serine, an amino acid with similar properties. This amino acid position is highly conserved in available vertebrate species. In addition, this alteration is predicted to be deleterious by in silico analysis. Based on the available evidence, the clinical significance of this variant remains unclear.

NM_002439.5(MSH3):c.2767C>T (p.Pro923Ser)

Gene: MSH3 (mutS homolog 3; plus strand). Cytogenetic location: 5q14.1.
Variant type: single nucleotide variant.
Coding change: c.2767C>T on transcript NM_002439.5 (MANE Select); coding-DNA position 2767, C replaced by T.
Protein change: p.Pro923Ser; replaces proline 923 with serine.
Molecular consequence: missense variant.
Genome position (GRCh38, 1-based): chr5:80,813,695, C>T. VCF-style: chr5-80813695-C-T. GRCh37 (hg19) VCF-style: chr5-80109514-C-T.
Other names: short protein forms P923S.
Identifiers: ClinVar variation 1795750 (VCV001795750.3), dbSNP rs763008024, ClinGen allele CA3328351.